The following is an entry in ClinVar:

ClinVar aggregate classification (germline): Likely benign. Review status: criteria provided, single submitter (1 of 4 stars). 2 submissions from 2 submitters: Likely benign (1). 1 of the submissions does not count toward it. Last evaluated 2020-12-11.

Conditions:
MYH6-related disorder. Also called: MYH6-Related Disorders; MYH6-related condition.

Allele frequency attached by ClinVar (database versions not stated): gnomAD exomes 0.00001; ExAC 0.00002.
gnomAD v4.1: 24 of 1,614,050 alleles (0.0015%); highest among the groups gnomAD compares: Admixed American, 0.005%; no homozygotes.

Submissions (2):

GeneDx
Classification: Likely benign. Last evaluated: 2020-12-11. Review status: criteria provided, single submitter. Criteria: GeneDx Variant Classification Process June 2021. Collection method: clinical testing. Allele origin: germline. Affected: yes.

PreventionGenetics, part of Exact Sciences
Classification: Likely benign for MYH6-related condition. Last evaluated: 2020-11-10. Review status: no assertion criteria provided. Collection method: clinical testing. Allele origin: germline. Not counted in ClinVar's aggregate classification.
Comment: This variant is classified as likely benign based on ACMG/AMP sequence variant interpretation guidelines (Richards et al. 2015 PMID: 25741868, with internal and published modifications).

NM_002471.4(MYH6):c.1227C>T (p.Asn409=)

Gene: MYH6 (myosin heavy chain 6; minus strand). Cytogenetic location: 14q11.2.
Variant type: single nucleotide variant.
Coding change: c.1227C>T on transcript NM_002471.4 (MANE Select); coding-DNA position 1227, C replaced by T.
Protein change: p.Asn409=; no amino-acid change (asparagine 409 retained).
Molecular consequence: synonymous variant.
Genome position (GRCh38, 1-based): chr14:23,400,892, G>A on the plus strand (C>T on the coding strand, the complement: MYH6 is on the minus strand). VCF-style: chr14-23400892-G-A. GRCh37 (hg19) VCF-style: chr14-23870101-G-A.
Identifiers: ClinVar variation 1215567 (VCV001215567.5), dbSNP rs752919716, ClinGen allele CA7115854.